The following is an entry in ClinVar:

ClinVar aggregate classification (germline): Uncertain significance (1 of 4 stars; one submission).

Conditions:
EPILEPSY, CHILDHOOD ABSENCE, SUSCEPTIBILITY TO, 2 (ECA2). Identifiers: Orphanet 64280, MedGen C1843244, OMIM 607681.
Febrile seizures, familial, 8 (FEB8). Also called: CONVULSIONS, FAMILIAL FEBRILE, 8. Identifiers: Orphanet 36387, MedGen C1969810, MONDO:0011891, OMIM 607681.

Submission:

Labcorp Genetics (formerly Invitae), Labcorp
Classification: Uncertain significance for Febrile seizures, familial, 8; EPILEPSY, CHILDHOOD ABSENCE, SUSCEPTIBILITY TO, 2. Last evaluated: 2025-03-19. Review status: criteria provided, single submitter. Criteria: Invitae Variant Classification Sherloc (09022015). Collection method: clinical testing. Allele origin: germline.
Comment: This sequence change replaces alanine, which is neutral and non-polar, with glycine, which is neutral and non-polar, at codon 394 of the GABRG2 protein (p.Ala394Gly). This variant is not present in population databases (gnomAD no frequency). This variant has not been reported in the literature in individuals affected with GABRG2-related conditions. Invitae Evidence Modeling of protein sequence and biophysical properties (such as structural, functional, and spatial information, amino acid conservation, physicochemical variation, residue mobility, and thermodynamic stability) has been performed for this missense variant. However, the output from this modeling did not meet the statistical confidence thresholds required to predict the impact of this variant on GABRG2 protein function. In summary, the available evidence is currently insufficient to determine the role of this variant in disease. Therefore, it has been classified as a Variant of Uncertain Significance.

NM_198904.4(GABRG2):c.1205C>G (p.Ala402Gly)

Gene: GABRG2 (gamma-aminobutyric acid type A receptor subunit gamma2; plus strand). Cytogenetic location: 5q34.
Variant type: single nucleotide variant.
Coding change: c.1205C>G on transcript NM_198904.4 (MANE Select); coding-DNA position 1205, C replaced by G.
Protein change: p.Ala402Gly; replaces alanine 402 with glycine.
Molecular consequence: missense variant. On other transcripts: 3 prime UTR variant (1).
Genome position (GRCh38, 1-based): chr5:162,153,145, C>G. VCF-style: chr5-162153145-C-G. GRCh37 (hg19) VCF-style: chr5-161580151-C-G.
Other names: c.1181C>G, p.Ala394Gly (NM_000816.3); c.1196C>G, p.Ala399Gly (NM_001375339.1); c.*39C>G (NM_001375340.1); c.1202C>G, p.Ala401Gly (NM_001375341.1); c.1178C>G, p.Ala393Gly (NM_001375342.1); c.1301C>G, p.Ala434Gly (NM_001375343.1); c.1244C>G, p.Ala415Gly (NM_001375344.1); c.1115C>G, p.Ala372Gly (NM_001375345.1); and 6 more; short protein forms A299G, A402G, A442G, A373G, A393G, A401G, A254G, A372G.
Identifiers: ClinVar variation 4793182 (VCV004793182.1).